The following is an entry in ClinVar:

NM_199420.4(POLQ):c.6174T>G (p.Asn2058Lys)

Gene: POLQ (DNA polymerase theta; minus strand). Cytogenetic location: 3q13.33.
Variant type: single nucleotide variant.
Coding change: c.6174T>G on transcript NM_199420.4 (MANE Select); coding-DNA position 6174, T replaced by G.
Protein change: p.Asn2058Lys; replaces asparagine 2058 with lysine.
Molecular consequence: missense variant.
Genome position (GRCh38, 1-based): chr3:121,481,609, A>C on the plus strand (T>G on the coding strand, the complement: POLQ is on the minus strand). VCF-style: chr3-121481609-A-C. GRCh37 (hg19) VCF-style: chr3-121200456-A-C.
Other names: short protein forms N2058K.
Identifiers: ClinVar variation 1752022 (VCV001752022.3), dbSNP rs1227983142, ClinGen allele CA354087672.

ClinVar aggregate classification (germline): Uncertain significance (1 of 4 stars; one submission).

Allele frequency attached by ClinVar (database versions not stated): gnomAD exomes below 0.00001; gnomAD 0.00001; TOPMed 0.00001.

Submission:

Ambry Genetics
Classification: Uncertain significance. Last evaluated: 2024-10-17. Review status: criteria provided, single submitter. Criteria: Ambry Variant Classification Scheme 2023. Collection method: clinical testing. Allele origin: germline.
Comment: The p.N2058K variant (also known as c.6174T>G), located in coding exon 19 of the POLQ gene, results from a T to G substitution at nucleotide position 6174. The asparagine at codon 2058 is replaced by lysine, an amino acid with similar properties. This amino acid position is conserved. In addition, this alteration is predicted to be tolerated by in silico analysis. Since supporting evidence is limited at this time, the clinical significance of this alteration remains unclear.